The following is an entry in ClinVar:

ClinVar aggregate classification (germline): Likely benign. Review status: criteria provided, multiple submitters, no conflicts (2 of 4 stars). 3 submissions from 3 submitters: Likely benign (2). 1 of the submissions does not count toward it. Last evaluated 2025-12-09.

Conditions:
CAPN5-related disorder. Also called: CAPN5-related condition.

Allele frequency attached by ClinVar (database versions not stated): ExAC 0.00001; gnomAD exomes 0.00001 and 0.00002; TOPMed 0.00011; gnomAD 0.00012 and 0.00014.
gnomAD v4.1: 33 of 1,613,822 alleles (0.002%); highest among the groups gnomAD compares: African/African-American, 0.041%; no homozygotes.

Submissions (3):

Labcorp Genetics (formerly Invitae), Labcorp
Classification: Likely benign. Last evaluated: 2025-12-09. Review status: criteria provided, single submitter. Criteria: Invitae Variant Classification Sherloc (09022015). Collection method: clinical testing. Allele origin: germline.

Blueprint Genetics
Classification: Likely benign. Last evaluated: 2023-12-27. Review status: criteria provided, single submitter. Criteria: ACMG Guidelines, 2015. Collection method: clinical testing. Allele origin: germline.

PreventionGenetics, part of Exact Sciences
Classification: Likely benign for CAPN5-related condition. Last evaluated: 2023-02-14. Review status: no assertion criteria provided. Collection method: clinical testing. Allele origin: germline. Not counted in ClinVar's aggregate classification.
Comment: This variant is classified as likely benign based on ACMG/AMP sequence variant interpretation guidelines (Richards et al. 2015 PMID: 25741868, with internal and published modifications).

NM_004055.5(CAPN5):c.1818C>T (p.Ala606=)

Gene: CAPN5 (calpain 5; plus strand). Cytogenetic location: 11q13.5.
Variant type: single nucleotide variant.
Coding change: c.1818C>T on transcript NM_004055.5 (MANE Select); coding-DNA position 1818, C replaced by T.
Protein change: p.Ala606=; no amino-acid change (alanine 606 retained).
Molecular consequence: synonymous variant.
Genome position (GRCh38, 1-based): chr11:77,123,765, C>T. VCF-style: chr11-77123765-C-T. GRCh37 (hg19) VCF-style: chr11-76834811-C-T.
Other names: c.1818C>T (NM_004055.4).
Identifiers: ClinVar variation 1561590 (VCV001561590.11), dbSNP rs782386651, ClinGen allele CA6196924.
Genomic context (GRCh38, chr11:77,123,765, plus strand): 5'-GCTGAAGGATGAATTTCTGGGCCAGGTGCACCTAAAGGCTGACCCGGACAACCTCCAGGC[C>T]CTGCATACCCTCCACCTCCGGGACCGAAATAGCCGGCAGCCCAGCAACCTGCCAGGCACT-3'
Protein context (NP_004046.2, residues 596-616): HLKADPDNLQ[Ala606=]LHTLHLRDRN